The following is an entry in ClinVar:

NM_001366385.1(CARD14):c.1762G>C (p.Gly588Arg)

Gene: CARD14 (caspase recruitment domain family member 14; plus strand). Cytogenetic location: 17q25.3.
Variant type: single nucleotide variant.
Coding change: c.1762G>C on transcript NM_001366385.1 (MANE Select); coding-DNA position 1762, G replaced by C.
Protein change: p.Gly588Arg; replaces glycine 588 with arginine.
Molecular consequence: missense variant. On other transcripts: non-coding transcript variant (1).
Genome position (GRCh38, 1-based): chr17:80,198,502, G>C. VCF-style: chr17-80198502-G-C. GRCh37 (hg19) VCF-style: chr17-78172301-G-C.
Other names: c.1762G>C, p.Gly588Arg (NM_001257970.1, NM_024110.4); c.1051G>C, p.Gly351Arg (NM_052819.3); short protein forms G588R, G351R.
Identifiers: ClinVar variation 2944088 (VCV002944088.3), dbSNP rs372197132, ClinGen allele CA401351201.
Genomic context (GRCh38, chr17:80,198,502, plus strand): 5'-CAGGTCACCATGCTGGCGTTCCAGGGGGATGCATTGCTGGAGCAGATCAGCGTCATCGGC[G>C]GGAACCTCACGGGCATCTTCATCCACCGGGTCACCCCGGGCTCGGCGGCGGACCAGATGG-3'
Protein context (NP_001353314.1, residues 578-598): ALLEQISVIG[Gly588Arg]NLTGIFIHRV

ClinVar aggregate classification (germline): Uncertain significance (1 of 4 stars; one submission).

Conditions:
Psoriasis 2. Identifiers: MedGen C1864497, MONDO:0011269, OMIM 602723.
Pityriasis rubra pilaris (PRP). Also called: Pityriasis rubra pilaris--familial type. Identifiers: Orphanet 2897, MedGen C0032027, MONDO:0100017, OMIM 173200, MONDO:0008251.

gnomAD v4.1: 1 of 1,613,330 alleles (0.000062%); highest among the groups gnomAD compares: Non-Finnish European, 0.000085%; no homozygotes.

Submission:

Labcorp Genetics (formerly Invitae), Labcorp
Classification: Uncertain significance for Pityriasis rubra pilaris; Psoriasis 2. Last evaluated: 2023-04-28. Review status: criteria provided, single submitter. Criteria: Invitae Variant Classification Sherloc (09022015). Collection method: clinical testing. Allele origin: germline.
Comment: In summary, the available evidence is currently insufficient to determine the role of this variant in disease. Therefore, it has been classified as a Variant of Uncertain Significance. Advanced modeling of protein sequence and biophysical properties (such as structural, functional, and spatial information, amino acid conservation, physicochemical variation, residue mobility, and thermodynamic stability) performed at Invitae indicates that this missense variant is expected to disrupt CARD14 protein function. This variant has not been reported in the literature in individuals affected with CARD14-related conditions. This variant is not present in population databases (gnomAD no frequency). This sequence change replaces glycine, which is neutral and non-polar, with arginine, which is basic and polar, at codon 588 of the CARD14 protein (p.Gly588Arg).